The following is an entry in ClinVar:

ClinVar aggregate classification (germline): Conflicting classifications of pathogenicity. Review status: criteria provided, conflicting classifications (1 of 4 stars). 3 submissions from 3 submitters: Uncertain significance (1); Likely benign (2). Last evaluated 2025-03-26.

Conditions:
KIF5C-related disorder. Also called: KIF5C-related condition.

Allele frequency attached by ClinVar (database versions not stated): gnomAD exomes 0.00004 and 0.00008; ESP Exome Variant Server 0.00008; ExAC 0.00009; gnomAD 0.00032 and 0.00036; TOPMed 0.00044.
gnomAD v4.1: 106 of 1,609,746 alleles (0.0066%); highest among the groups gnomAD compares: African/African-American, 0.099%; no homozygotes.

Submissions (3):

PreventionGenetics, part of Exact Sciences
Classification: Likely benign for KIF5C-related condition. Last evaluated: 2025-03-26. Review status: criteria provided, single submitter. Criteria: ACMG Guidelines, 2015. Collection method: clinical testing. Allele origin: germline.
Comment: This variant is classified as likely benign based on ACMG/AMP sequence variant interpretation guidelines (Richards et al. 2015 PMID: 25741868, with internal and published modifications).

GeneDx
Classification: Likely benign. Last evaluated: 2018-08-29. Review status: criteria provided, single submitter. Criteria: GeneDx Variant Classification Process June 2021. Collection method: clinical testing. Allele origin: germline. Affected: yes.

CeGaT Center for Human Genetics Tuebingen
Classification: Uncertain significance. Last evaluated: 2016-05-01. Review status: criteria provided, single submitter. Criteria: CeGaT Center For Human Genetics Tuebingen Variant Classification Criteria Version 2. Collection method: clinical testing. Allele origin: germline. Affected: yes. Observed: 1 variant allele.

NM_004522.3(KIF5C):c.576C>T (p.His192=)

Gene: KIF5C (kinesin family member 5C; plus strand). Cytogenetic location: 2q23.1.
Variant type: single nucleotide variant.
Coding change: c.576C>T on transcript NM_004522.3 (MANE Select); coding-DNA position 576, C replaced by T.
Protein change: p.His192=; no amino-acid change (histidine 192 retained).
Molecular consequence: synonymous variant.
Genome position (GRCh38, 1-based): chr2:148,942,747, C>T. VCF-style: chr2-148942747-C-T. GRCh37 (hg19) VCF-style: chr2-149799261-C-T.
Identifiers: ClinVar variation 808816 (VCV000808816.46), dbSNP rs376592911, ClinGen allele CA1901266.